The following is an entry in ClinVar:

ClinVar aggregate classification (germline): Uncertain significance (1 of 4 stars; one submission).

Allele frequency attached by ClinVar (database versions not stated): gnomAD exomes below 0.00001.
gnomAD v4.1: 1 of 1,613,736 alleles (0.000062%); highest among the groups gnomAD compares: South Asian, 0.0011%; no homozygotes.

Submission:

Labcorp Genetics (formerly Invitae), Labcorp
Classification: Uncertain significance. Last evaluated: 2023-05-11. Review status: criteria provided, single submitter. Criteria: Invitae Variant Classification Sherloc (09022015). Collection method: clinical testing. Allele origin: germline.
Comment: In summary, the available evidence is currently insufficient to determine the role of this variant in disease. Therefore, it has been classified as a Variant of Uncertain Significance. An algorithm developed to predict the effect of missense changes on protein structure and function (PolyPhen-2) suggests that this variant is likely to be disruptive. This variant has not been reported in the literature in individuals affected with ERBIN-related conditions. This variant is not present in population databases (gnomAD no frequency). This sequence change replaces glycine, which is neutral and non-polar, with valine, which is neutral and non-polar, at codon 810 of the ERBIN protein (p.Gly810Val).

NM_001253697.2(ERBIN):c.2429G>T (p.Gly810Val)

Gene: ERBIN (erbb2 interacting protein; plus strand). Cytogenetic location: 5q12.3.
Variant type: single nucleotide variant.
Coding change: c.2429G>T on transcript NM_001253697.2 (MANE Select); coding-DNA position 2429, G replaced by T.
Protein change: p.Gly810Val; replaces glycine 810 with valine.
Molecular consequence: missense variant.
Genome position (GRCh38, 1-based): chr5:66,053,747, G>T. VCF-style: chr5-66053747-G-T. GRCh37 (hg19) VCF-style: chr5-65349575-G-T.
Other names: c.2429G>T, p.Gly810Val (NM_001006600.3, NM_001253698.2, NM_001253699.2 and 1 more transcripts); c.2417G>T, p.Gly806Val (NM_001253701.2); short protein forms G810V, G806V.
Identifiers: ClinVar variation 2974403 (VCV002974403.3), dbSNP rs2546811668, ClinGen allele CA359866849.
Genomic context (GRCh38, chr5:66,053,747, plus strand): 5'-TGCTTGGAACAAGCTTTTTAAGCATTAATTCTAAAGAGGAAACTGAGCACTTGGAAAATG[G>T]AAACAAGTATCCTAATTTGGAATCCGTAAATAAGGTAAATGGACATTCTGAGGAAACTTC-3'
Protein context (NP_001240626.1, residues 800-820): SKEETEHLEN[Gly810Val]NKYPNLESVN